The following is an entry in ClinVar:

ClinVar aggregate classification (germline): Uncertain significance (1 of 4 stars; one submission).

Allele frequency attached by ClinVar (database versions not stated): gnomAD exomes below 0.00001.
gnomAD v4.1: 2 of 1,603,890 alleles (0.00012%); highest among the groups gnomAD compares: Non-Finnish European, 0.00017%; no homozygotes.

Submission:

Labcorp Genetics (formerly Invitae), Labcorp
Classification: Uncertain significance. Last evaluated: 2022-01-14. Review status: criteria provided, single submitter. Criteria: Invitae Variant Classification Sherloc (09022015). Collection method: clinical testing. Allele origin: germline.
Comment: In summary, the available evidence is currently insufficient to determine the role of this variant in disease. Therefore, it has been classified as a Variant of Uncertain Significance. Algorithms developed to predict the effect of missense changes on protein structure and function are either unavailable or do not agree on the potential impact of this missense change (SIFT: "Not Available"; PolyPhen-2: "Probably Damaging"; Align-GVGD: "Not Available"). This variant has not been reported in the literature in individuals affected with POLR1A-related conditions. This variant is not present in population databases (gnomAD no frequency). This sequence change replaces threonine with alanine at codon 464 of the POLR1A protein (p.Thr464Ala). The threonine residue is moderately conserved and there is a small physicochemical difference between threonine and alanine.

NM_015425.6(POLR1A):c.1390A>G (p.Thr464Ala)

Gene: POLR1A (RNA polymerase I subunit A; minus strand). Cytogenetic location: 2p11.2.
Variant type: single nucleotide variant.
Coding change: c.1390A>G on transcript NM_015425.6 (MANE Select); coding-DNA position 1390, A replaced by G.
Protein change: p.Thr464Ala; replaces threonine 464 with alanine.
Molecular consequence: missense variant.
Genome position (GRCh38, 1-based): chr2:86,075,251, T>C on the plus strand (A>G on the coding strand, the complement: POLR1A is on the minus strand). VCF-style: chr2-86075251-T-C. GRCh37 (hg19) VCF-style: chr2-86302374-T-C.
Other names: short protein forms T464A.
Identifiers: ClinVar variation 1371629 (VCV001371629.6), dbSNP rs2104417123, ClinGen allele CA347550980.